The following is an entry in ClinVar:

NM_001371904.1(APOA5):c.902G>C (p.Arg301Pro)

Gene: APOA5 (apolipoprotein A5; minus strand). Cytogenetic location: 11q23.3.
Variant type: single nucleotide variant.
Coding change: c.902G>C on transcript NM_001371904.1 (MANE Select); coding-DNA position 902, G replaced by C.
Protein change: p.Arg301Pro; replaces arginine 301 with proline.
Molecular consequence: missense variant.
Genome position (GRCh38, 1-based): chr11:116,790,327, C>G on the plus strand (G>C on the coding strand, the complement: APOA5 is on the minus strand). VCF-style: chr11-116790327-C-G. GRCh37 (hg19) VCF-style: chr11-116661043-C-G.
Other names: p.Arg301Pro; c.902G>C, p.Arg301Pro (NM_001166598.2, NM_052968.5); short protein forms R301P.
Identifiers: ClinVar variation 3380052 (VCV003380052.1).
Genomic context (GRCh38, chr11:116,790,327, plus strand): 5'-TGGCCTGGTGGAGGTGGCGCCAGCTGCTGCTGGACCTCCTCAGTCTCCTGGTCGATGGCG[C>G]GAGTGAAGGCAGCTATCTGCAGGTAGGTGTCCTGGCGGAAAGCCTGAAGTCGCTGGCGCA-3'
Protein context (NP_001358833.1, residues 291-311): DTYLQIAAFT[Arg301Pro]AIDQETEEVQ

ClinVar aggregate classification (germline): Uncertain significance (1 of 4 stars; one submission).

Submission:

Mayo Clinic Laboratories, Mayo Clinic
Classification: Uncertain significance. Last evaluated: 2024-02-13. Review status: criteria provided, single submitter. Criteria: ACMG Guidelines, 2015. Collection method: clinical testing. Allele origin: germline. Observed: 1 variant allele.
Comment: PM2, PS4_moderate

Literature cited by the submitters: PubMed 21993410; PubMed 27678447; PubMed 36325899; PubMed 38117614.